The following is an entry in ClinVar:

ClinVar aggregate classification (germline): Uncertain significance (1 of 4 stars; one submission).

gnomAD v4.1: 2 of 1,613,894 alleles (0.00012%); highest among the groups gnomAD compares: Non-Finnish European, 0.00017%; no homozygotes.

Submission:

Labcorp Genetics (formerly Invitae), Labcorp
Classification: Uncertain significance. Last evaluated: 2025-06-06. Review status: criteria provided, single submitter. Criteria: Invitae Variant Classification Sherloc (09022015). Collection method: clinical testing. Allele origin: germline.
Comment: This sequence change replaces serine, which is neutral and polar, with asparagine, which is neutral and polar, at codon 304 of the MBD4 protein (p.Ser304Asn). This variant is present in population databases (no rsID available, gnomAD 0.002%). This variant has not been reported in the literature in individuals affected with MBD4-related conditions. An algorithm developed to predict the effect of missense changes on protein structure and function outputs the following: PolyPhen-2: "Benign". The asparagine amino acid residue is found in multiple mammalian species, which suggests that this missense change does not adversely affect protein function. In summary, the available evidence is currently insufficient to determine the role of this variant in disease. Therefore, it has been classified as a Variant of Uncertain Significance.

NM_001276270.2(MBD4):c.911G>A (p.Ser304Asn)

Gene: MBD4 (methyl-CpG binding domain 4, DNA glycosylase; minus strand). Cytogenetic location: 3q21.3.
Variant type: single nucleotide variant.
Coding change: c.911G>A on transcript NM_001276270.2 (MANE Select); coding-DNA position 911, G replaced by A.
Protein change: p.Ser304Asn; replaces serine 304 with asparagine.
Molecular consequence: missense variant. On other transcripts: intron variant (1).
Genome position (GRCh38, 1-based): chr3:129,436,733, C>T on the plus strand (G>A on the coding strand, the complement: MBD4 is on the minus strand). VCF-style: chr3-129436733-C-T. GRCh37 (hg19) VCF-style: chr3-129155576-C-T.
Other names: c.911G>A, p.Ser304Asn (NM_001276271.2, NM_001276272.2, NM_003925.3); c.247+1075G>A (NM_001276273.2); short protein forms S304N.
Identifiers: ClinVar variation 4766703 (VCV004766703.1).